The following is an entry in ClinVar:

ClinVar aggregate classification (germline): Likely benign (1 of 4 stars; one submission).

gnomAD v4.1: 4 of 1,496,960 alleles (0.00027%); highest among the groups gnomAD compares: Admixed American, 0.0088%; no homozygotes.

Submission:

CeGaT Center for Human Genetics Tuebingen
Classification: Likely benign. Last evaluated: 2026-09-01. Review status: criteria provided, single submitter. Criteria: CeGaT Center For Human Genetics Tuebingen Variant Classification Criteria Version 2. Collection method: clinical testing. Allele origin: germline. Affected: yes. Observed: 1 variant allele.
Comment: ADAT3: BP4, BP7

NM_138422.4(ADAT3):c.475C>A (p.Arg159=)

Genes: ADAT3 (adenosine deaminase tRNA specific 3; plus strand), SCAMP4 (secretory carrier membrane protein 4; plus strand). Cytogenetic location: 19p13.3.
Variant type: single nucleotide variant.
Coding change: c.475C>A on transcript NM_138422.4 (MANE Select); coding-DNA position 475, C replaced by A.
Protein change: p.Arg159=; no amino-acid change (arginine 159 retained).
Molecular consequence: synonymous variant. On other transcripts: intron variant (3).
Genome position (GRCh38, 1-based): chr19:1,912,522, C>A. VCF-style: chr19-1912522-C-A. GRCh37 (hg19) VCF-style: chr19-1912521-C-A.
Other names: c.427C>A, p.Arg143= (NM_001329533.2); c.-41-2457C>A (NM_079834.4, NM_001329540.2); c.-125-5172C>A (NM_001329539.2).
Identifiers: ClinVar variation 5041637 (VCV005041637.1).